The following is an entry in ClinVar:

NM_000038.6(APC):c.7247T>G (p.Leu2416Arg)

Gene: APC (APC regulator of Wnt signaling pathway; plus strand). Cytogenetic location: 5q22.2.
Variant type: single nucleotide variant.
Coding change: c.7247T>G on transcript NM_000038.6 (MANE Select); coding-DNA position 7247, T replaced by G.
Protein change: p.Leu2416Arg; replaces leucine 2416 with arginine.
Molecular consequence: missense variant. On other transcripts: non-coding transcript variant (2).
Genome position (GRCh38, 1-based): chr5:112,842,841, T>G. VCF-style: chr5-112842841-T-G. GRCh37 (hg19) VCF-style: chr5-112178538-T-G.
Other names: c.7124T>G, p.Leu2375Arg (NM_001354900.2); c.7070T>G, p.Leu2357Arg (NM_001354901.2, NM_001407453.1); c.6974T>G, p.Leu2325Arg (NM_001354902.2); c.6944T>G, p.Leu2315Arg (NM_001354903.2, NM_001407460.1, NM_001407458.1 and 1 more transcripts); c.6869T>G, p.Leu2290Arg (NM_001354904.2); c.6767T>G, p.Leu2256Arg (NM_001354905.2); c.6398T>G, p.Leu2133Arg (NM_001354906.2, NM_001407470.1); c.7331T>G, p.Leu2444Arg (NM_001407446.1); and 11 more; short protein forms L2290R, L2315R, L2333R, L2388R, L2434R, L2325R, L2375R, L2391R.
Identifiers: ClinVar variation 4121160 (VCV004121160.2).

ClinVar aggregate classification (germline): Uncertain significance. Review status: criteria provided, multiple submitters, no conflicts (2 of 4 stars). 2 submissions from 2 submitters: Uncertain significance (2). Last evaluated 2025-08-05.

Conditions:
Hereditary cancer-predisposing syndrome. Also called: Hereditary neoplastic syndrome; Neoplastic Syndromes, Hereditary; Tumor predisposition; Hereditary Cancer Syndrome. Identifiers: Orphanet 140162, MedGen C0027672, MeSH D009386, MONDO:0015356.

Submissions (2):

Ambry Genetics
Classification: Uncertain significance for Hereditary cancer-predisposing syndrome. Last evaluated: 2025-08-05. Review status: criteria provided, single submitter. Criteria: Ambry Variant Classification Scheme 2023. Collection method: clinical testing. Allele origin: germline.
Comment: The p.L2416R variant (also known as c.7247T>G), located in coding exon 15 of the APC gene, results from a T to G substitution at nucleotide position 7247. The leucine at codon 2416 is replaced by arginine, an amino acid with dissimilar properties. This amino acid position is well conserved in available vertebrate species. In addition, in silico predictors for this gene do not accurately predict pathogenicity. Missense alterations in APC are not a common cause of disease (Spier I et al. Genet Med. 2024 Feb;26(2):100992). Based on the available evidence, the clinical significance of this variant remains unclear.

Color Diagnostics, LLC DBA Color Health
Classification: Uncertain significance for Hereditary cancer-predisposing syndrome. Last evaluated: 2025-06-30. Review status: criteria provided, single submitter. Criteria: ACMG Guidelines, 2015. Collection method: clinical testing. Allele origin: germline.
Comment: This missense variant replaces leucine with arginine at codon 2416 of the APC protein. Computational prediction is inconclusive regarding the impact of this variant on protein structure and function. To our knowledge, functional studies have not been reported for this variant. This variant has not been reported in individuals affected with APC-related disorders in the literature. This variant has not been identified in the general population by the Genome Aggregation Database (gnomAD). The available evidence is insufficient to determine the role of this variant in disease conclusively. Therefore, this variant is classified as a Variant of Uncertain Significance.